The following is an entry in ClinVar:

ClinVar aggregate classification (germline): Pathogenic/Likely pathogenic. Review status: criteria provided, multiple submitters, no conflicts (2 of 4 stars). 18 submissions from 17 submitters: Pathogenic (10); Likely pathogenic (4). 4 of the submissions do not count toward it. Last evaluated 2026-06-29.

Conditions:
Marfan syndrome (MFS). Also called: Marfan syndrome type 1; Marfan's syndrome; Marfan syndrome, classic; MARFAN SYNDROME, TYPE I; FBN1-Related Marfan Syndrome. Identifiers: Orphanet 284963, Orphanet 558, MedGen C0024796, MONDO:0007947, OMIM 154700.
Geleophysic dysplasia 2 (GPHYSD2). Identifiers: Orphanet 2623, MedGen C3280054, MONDO:0013612, OMIM 614185.
Weill-Marchesani syndrome 2, dominant. Also called: Weill-Marchesani Syndrome, Autosomal Dominant; FBN1-Related Weill-Marchesani Syndrome. Identifiers: Orphanet 2084, MedGen C1869115, MONDO:0012013, OMIM 608328.
Stiff skin syndrome (SSKS). Identifiers: Orphanet 2833, MedGen C1861456, MONDO:0008492, OMIM 184900.
Ectopia lentis 1, isolated, autosomal dominant (ECTOL1). Identifiers: Orphanet 1885, MedGen C3541518, MONDO:0007514, OMIM 129600.
MASS syndrome (OCTD). Also called: OVERLAP CONNECTIVE TISSUE DISEASE; MASS PHENOTYPE. Identifiers: MedGen C1858556, MONDO:0011431, OMIM 604308.
Progeroid and marfanoid aspect-lipodystrophy syndrome. Also called: Marfan lipodystrophy syndrome; MARFANOID-PROGEROID SYNDROME; MARFAN-PROGEROID-LIPODYSTROPHY SYNDROME; MARFANOID-PROGEROID-LIPODYSTROPHY SYNDROME. Identifiers: Orphanet 300382, MedGen C4310796, MONDO:0014831, OMIM 616914.
Acromicric dysplasia (ACMICD). Also called: Acromicric skeletal dysplasia. Identifiers: Orphanet 969, MedGen C0265287, MONDO:0007055, OMIM 102370.
Geleophysic dysplasia. Identifiers: Orphanet 2623, MedGen C3489726, MONDO:0000127.
Familial thoracic aortic aneurysm and aortic dissection (TAAD). Also called: Thoracic aortic aneurysms and dissections. Identifiers: Orphanet 91387, MedGen C4707243, MONDO:0019625.
FBN1-related disorder. Also called: FBN1-related disorders.
Relative macrocephaly. Identifiers: MedGen C1849075, HP:0004482.
Wide mouth. Identifiers: MedGen C0024433, HP:0000154.
Wide nasal bridge. Identifiers: MedGen C1849367, HP:0000431.
Short stature. Identifiers: MedGen C0349588, HP:0004322.
Metaphyseal chondrodysplasia. Also called: Metaphyseal chondrodysplasia (disease). Identifiers: MedGen C0265290, MONDO:0000138, HP:0005871.
Autosomal dominant FBN1-related disorders.
Connective tissue disorder. Also called: Connective tissue disease. Identifiers: MedGen C0009782, MONDO:0003900.

Submissions 1 to 10 of 18:

Laboratory of Medical Genetics, University of Torino
Classification: Pathogenic for Acromicric dysplasia. Last evaluated: 2026-06-29. Review status: criteria provided, single submitter. Criteria: ACMG Guidelines, 2015. Collection method: clinical testing. Allele origin: de novo. Affected: yes.

Labcorp Genetics (formerly Invitae), Labcorp
Classification: Pathogenic for Marfan syndrome; Familial thoracic aortic aneurysm and aortic dissection. Last evaluated: 2025-12-15. Review status: criteria provided, single submitter. Criteria: Invitae Variant Classification Sherloc (09022015). Collection method: clinical testing. Allele origin: germline.
Comment: This sequence change replaces alanine, which is neutral and non-polar, with valine, which is neutral and non-polar, at codon 1728 of the FBN1 protein (p.Ala1728Val). This variant is not present in population databases (gnomAD no frequency). This missense change has been observed in individual(s) with clinical features of acromicric dysplasia or geleophysic dysplasia (PMID: 21683322, 27245183). In at least one individual the variant was observed to be de novo. ClinVar contains an entry for this variant (Variation ID: 430150). Invitae Evidence Modeling of protein sequence and biophysical properties (such as structural, functional, and spatial information, amino acid conservation, physicochemical variation, residue mobility, and thermodynamic stability) indicates that this missense variant is expected to disrupt FBN1 protein function with a positive predictive value of 95%. This variant disrupts the p.Ala1728 amino acid residue in FBN1. Other variant(s) that disrupt this residue have been determined to be pathogenic (PMID: 21683322). This suggests that this residue is clinically significant, and that variants that disrupt this residue are likely to be disease-causing. For these reasons, this variant has been classified as Pathogenic.

Ambry Genetics
Classification: Pathogenic for Familial thoracic aortic aneurysm and aortic dissection. Last evaluated: 2025-08-14. Review status: criteria provided, single submitter. Criteria: Ambry Variant Classification Scheme 2023. Collection method: clinical testing. Allele origin: germline.
Comment: The c.5183C>T (p.A1728V) alteration is located in exon 42 (coding exon 41) of the FBN1 gene. This alteration results from a C to T substitution at nucleotide position 5183, causing the alanine (A) at amino acid position 1728 to be replaced by a valine (V). for FBN1-related acromelic dysplasias; however, its clinical significance for Marfan syndrome and related fibrillinopathies and Marfan lipodystrophy syndrome is uncertain. This variant was not reported in population-based cohorts in the Genome Aggregation Database (gnomAD). This variant was reported in individual(s) with features consistent with FBN1-related acromelic dysplasias (de Bruin, 2016; Shan, 2021; Fan, 2021; Marzin, 2021; Shen, 2023; Fang, 2024; Rosina, 2024) and segregated with disease in at least one family (de Bruin, 2016; Shan, 2021; Fan, 2021; Shen, 2023); in at least one individual, it was determined to be de novo (Le Goff, 2011). Another variant at the same codon, c.5182G>A (p.A1728T), has been identified in individual(s) with features consistent with FBN1-related acromelic dysplasias (Le Goff, 2011). This amino acid position is highly conserved in available vertebrate species. This alteration is predicted to be deleterious by in silico analysis. Based on the available evidence, this alteration is classified as pathogenic.

Variantyx, Inc.
Classification: Pathogenic for Autosomal dominant FBN1-related disorders. Last evaluated: 2025-07-27. Review status: criteria provided, single submitter. Criteria: Variantyx Assertion Criteria 2022. Collection method: clinical testing. Allele origin: de novo. Inheritance: Autosomal dominant inheritance. Affected: yes.
Comment: This is a nonsynonymous variant in the FBN1 gene (OMIM: 134797). Pathogenic variants in this gene have been associated with autosomal dominant FBN1-related disorders. This variant has been reported in at least three unrelated affected individuals (PMID: 27245183) (PS4_Moderate) and observed to segregate with disease in at least three individuals from one family (PMID: 36998968) (PP1). It likely occurred de novo in an individual reported in the published literature; however, the possibility of parental germline mosaicism cannot be excluded (PMID: 21683322) (PS2). Multiple computational algorithms predict a deleterious effect for this variant (REVEL score: 0.907) (PP3). This variant is absent from control populations (PM2). Based on the current evidence, this variant is classified as pathogenic for autosomal dominant FBN1-related disorders.

Center of Human Genetics, Hôpital Erasme
Classification: Pathogenic for Acromicric dysplasia. Last evaluated: 2025-01-01. Review status: criteria provided, single submitter. Criteria: ACMG Guidelines, 2015. Collection method: clinical testing. Allele origin: de novo. Affected: yes.

3billion
Classification: Likely pathogenic for Geleophysic dysplasia 2. Last evaluated: 2024-11-26. Review status: criteria provided, single submitter. Criteria: ACMG Guidelines, 2015. Collection method: clinical testing. Allele origin: germline. Affected: yes.
Comment: The variant is not observed in the gnomAD v4.1.0 dataset. Predicted Consequence/Location: Missense variant In silico tool predictions suggest damaging effect of the variant on gene or gene product [REVEL: 0.91 (>=0.6, sensitivity 0.68 and specificity 0.92); 3Cnet: 0.99 (>=0.6, sensitivity 0.72 and precision 0.9)]. The same nucleotide change resulting in the same amino acid change has been previously reported as pathogenic/likely pathogenic with strong evidence (ClinVar ID: VCV000430150 /PMID: 21683322). Different missense changes at the same codon (p.Ala1728Pro, p.Ala1728Thr) have been reported to be associated with FBN1-related disorder (ClinVar ID: VCV000029698, VCV001431497 /PMID: 19012347, 21683322 /3billion dataset). Therefore, this variant is classified as Likely pathogenic according to the recommendation of ACMG/AMP guideline.

GeneDx
Classification: Pathogenic. Last evaluated: 2024-01-11. Review status: criteria provided, single submitter. Criteria: GeneDx Variant Classification Process June 2021. Collection method: clinical testing. Allele origin: germline. Affected: yes.
Comment: Not observed at significant frequency in large population cohorts (gnomAD); In silico analysis supports that this missense variant has a deleterious effect on protein structure/function; This variant is associated with the following publications: (PMID: 21683322, 27245183, 34006472, 33082559, 36998968)

CeGaT Center for Human Genetics Tuebingen
Classification: Pathogenic. Last evaluated: 2023-03-01. Review status: criteria provided, single submitter. Criteria: CeGaT Center For Human Genetics Tuebingen Variant Classification Criteria Version 2. Collection method: clinical testing. Allele origin: germline. Affected: yes. Observed: 1 variant allele.
Comment: FBN1: PM2, PM6, PS4:Moderate, PP1, PP2, PP3, PP4

Genome Diagnostics Laboratory, The Hospital for Sick Children
Classification: Likely pathogenic for Connective tissue disorder. Last evaluated: 2022-06-15. Review status: criteria provided, single submitter. Criteria: ACMG Guidelines, 2015. Collection method: clinical testing. Allele origin: germline.

Blueprint Genetics
Classification: Pathogenic for FBN1-related disorders. Last evaluated: 2021-12-22. Review status: criteria provided, single submitter. Criteria: ACMG Guidelines, 2015. Collection method: clinical testing. Allele origin: germline. Affected: yes. Observed: 2 variant alleles.

NM_000138.5(FBN1):c.5183C>T (p.Ala1728Val)

Gene: FBN1 (fibrillin 1; minus strand). Cytogenetic location: 15q21.1.
Variant type: single nucleotide variant.
Coding change: c.5183C>T on transcript NM_000138.5 (MANE Select); coding-DNA position 5183, C replaced by T.
Protein change: p.Ala1728Val; replaces alanine 1728 with valine.
Molecular consequence: missense variant.
Genome position (GRCh38, 1-based): chr15:48,463,123, G>A on the plus strand (C>T on the coding strand, the complement: FBN1 is on the minus strand). VCF-style: chr15-48463123-G-A. GRCh37 (hg19) VCF-style: chr15-48755320-G-A.
Other names: short protein forms A1728V.
Identifiers: ClinVar variation 430150 (VCV000430150.54), dbSNP rs1131691804, ClinGen allele CA392349119.
Genomic context (GRCh38, chr15:48,463,123, plus strand): 5'-TGGAGAAACTAAAACTCACCTGTACTTGGGATGGGACACTGTTCACAGGGCTTGTTCCAC[G>A]CCCGGCCAATGTTGTAGGAACAGCAGCACATCTTCTTGGTCATGTTGAATAACAATTCTC-3'
Protein context (NP_000129.3, residues 1718-1738): MCCCSYNIGR[Ala1728Val]WNKPCEQCPI